The following is an entry in ClinVar:

NM_000494.4(COL17A1):c.2128+8A>C

Gene: COL17A1 (collagen type XVII alpha 1 chain; minus strand). Cytogenetic location: 10q25.1.
Variant type: single nucleotide variant.
Coding change: c.2128+8A>C on transcript NM_000494.4 (MANE Select); 8 bases into the intron after coding-DNA position 2128, A replaced by C.
Molecular consequence: intron variant.
Genome position (GRCh38, 1-based): chr10:104,050,613, T>G on the plus strand (A>C on the coding strand, the complement: COL17A1 is on the minus strand). VCF-style: chr10-104050613-T-G. GRCh37 (hg19) VCF-style: chr10-105810371-T-G.
Other names: c.2128+8A>C (LRG_1249t1).
Identifiers: ClinVar variation 298718 (VCV000298718.38), dbSNP rs138724889, ClinGen allele CA5678692.

ClinVar aggregate classification (germline): Benign/Likely benign. Review status: criteria provided, multiple submitters, no conflicts (2 of 4 stars). 4 submissions from 4 submitters: Benign (1); Likely benign (3). Last evaluated 2026-01-25.

Conditions:
Junctional epidermolysis bullosa, non-Herlitz type. Also called: Adult junctional epidermolysis bullosa; COL17A1-Related Junctional Epidermolysis Bullosa; Epidermolysis bullosa, junctional, non-herlitz type, somatic mosaic revertant; EPIDERMOLYSIS BULLOSA, JUNCTIONAL 1A, INTERMEDIATE; EPIDERMOLYSIS BULLOSA JUNCTIONALIS, DISENTIS TYPE; EPIDERMOLYSIS BULLOSA JUNCTIONALIS, NON-HERLITZ TYPE. Identifiers: Orphanet 251393, Orphanet 79402, Orphanet 79405, Orphanet 89840, MedGen C0268374, MONDO:0009180, OMIM 226650.

Allele frequency attached by ClinVar (database versions not stated): ESP Exome Variant Server 0.00123; gnomAD exomes 0.00182 and 0.00268; gnomAD 0.00190 and 0.00193; 1000 Genomes Project 30x 0.00203; 1000 Genomes Project 0.00220; TOPMed 0.00251; ExAC 0.00277.
gnomAD v4.1: 3,098 of 1,612,974 alleles (0.19%); highest among the groups gnomAD compares: Middle Eastern, 2.9%; 16 homozygotes.

Submissions (4):

Labcorp Genetics (formerly Invitae), Labcorp
Classification: Benign. Last evaluated: 2026-01-25. Review status: criteria provided, single submitter. Criteria: Invitae Variant Classification Sherloc (09022015). Collection method: clinical testing. Allele origin: germline.

CeGaT Center for Human Genetics Tuebingen
Classification: Likely benign. Last evaluated: 2024-12-01. Review status: criteria provided, single submitter. Criteria: CeGaT Center For Human Genetics Tuebingen Variant Classification Criteria Version 2. Collection method: clinical testing. Allele origin: germline. Affected: yes. Observed: 4 variant alleles.
Comment: COL17A1: BP4, BS2

Illumina Laboratory Services, Illumina
Classification: Likely benign for Junctional epidermolysis bullosa, non-Herlitz type. Last evaluated: 2018-01-12. Review status: criteria provided, single submitter. Criteria: ICSL Variant Classification Criteria 13 December 2019. Collection method: clinical testing. Allele origin: germline.
Comment: This variant was observed in the ICSL laboratory as part of a predisposition screen in an ostensibly healthy population. It had not been previously curated by ICSL or reported in the Human Gene Mutation Database (HGMD: prior to June 1st, 2018), and was therefore a candidate for classification through an automated scoring system. Utilizing variant allele frequency, disease prevalence and penetrance estimates, and inheritance mode, an automated score was calculated to assess if this variant is too frequent to cause the disease. Based on the score and internal cut-off values, a variant classified as likely benign is not then subjected to further curation. The score for this variant resulted in a classification of likely benign for this disease.

Breakthrough Genomics
Classification: Likely benign. Review status: criteria provided, single submitter. Criteria: ACMG Guidelines, 2015. Collection method: not provided. Allele origin: germline. Inheritance: Autosomal recessive inheritance. Affected: yes.